The following is an entry in ClinVar:

NM_002693.3(POLG):c.3082G>T (p.Val1028Phe)

Gene: POLG (DNA polymerase gamma, catalytic subunit; minus strand). Cytogenetic location: 15q26.1.
Variant type: single nucleotide variant.
Coding change: c.3082G>T on transcript NM_002693.3 (MANE Select); coding-DNA position 3082, G replaced by T.
Protein change: p.Val1028Phe; replaces valine 1028 with phenylalanine.
Molecular consequence: missense variant.
Genome position (GRCh38, 1-based): chr15:89,319,250, C>A on the plus strand (G>T on the coding strand, the complement: POLG is on the minus strand). VCF-style: chr15-89319250-C-A. GRCh37 (hg19) VCF-style: chr15-89862481-C-A.
Other names: c.3082G>T, p.Val1028Phe (NM_001126131.2); short protein forms V1028F.
Identifiers: ClinVar variation 1017575 (VCV001017575.11), dbSNP rs2055358409, ClinGen allele CA393751291.

ClinVar aggregate classification (germline): Uncertain significance (1 of 4 stars; one submission).

Conditions:
Progressive sclerosing poliodystrophy (MTDPS4A). Also called: ALPERS PROGRESSIVE INFANTILE POLIODYSTROPHY; ALPERS DIFFUSE DEGENERATION OF CEREBRAL GRAY MATTER WITH HEPATIC CIRRHOSIS; Alpers-Huttenlocher Syndrome; NEURONAL DEGENERATION OF CHILDHOOD WITH LIVER DISEASE, PROGRESSIVE; Alpers Syndrome; Mitochondrial DNA Depletion Syndrome 4A. Identifiers: Orphanet 726, MedGen C0205710, MONDO:0008758, OMIM 203700.

Allele frequency attached by ClinVar (database versions not stated): TOPMed below 0.00001.

Submission:

Labcorp Genetics (formerly Invitae), Labcorp
Classification: Uncertain significance for Progressive sclerosing poliodystrophy. Last evaluated: 2023-11-27. Review status: criteria provided, single submitter. Criteria: Invitae Variant Classification Sherloc (09022015). Collection method: clinical testing. Allele origin: germline.
Comment: This sequence change replaces valine, which is neutral and non-polar, with phenylalanine, which is neutral and non-polar, at codon 1028 of the POLG protein (p.Val1028Phe). This variant is not present in population databases (gnomAD no frequency). This variant has not been reported in the literature in individuals affected with POLG-related conditions. ClinVar contains an entry for this variant (Variation ID: 1017575). Advanced modeling of protein sequence and biophysical properties (such as structural, functional, and spatial information, amino acid conservation, physicochemical variation, residue mobility, and thermodynamic stability) performed at Invitae indicates that this missense variant is not expected to disrupt POLG protein function with a negative predictive value of 95%. In summary, the available evidence is currently insufficient to determine the role of this variant in disease. Therefore, it has been classified as a Variant of Uncertain Significance.